The following is an entry in ClinVar:

ClinVar aggregate classification (germline): Uncertain significance (1 of 4 stars; one submission).

Submission:

GeneDx
Classification: Uncertain significance. Last evaluated: 2026-07-14. Review status: criteria provided, single submitter. Criteria: GeneDx Variant Classification Process June 2021. Collection method: clinical testing. Allele origin: germline.
Comment: Not observed at significant frequency in large population cohorts (gnomAD); In silico analysis supports that this missense variant has a deleterious effect on protein structure/function; Has not been previously published as pathogenic or benign to our knowledge

NM_001005273.3(CHD3):c.1942C>T (p.His648Tyr)

Gene: CHD3 (chromodomain helicase DNA binding protein 3; plus strand). Cytogenetic location: 17p13.1.
Variant type: single nucleotide variant.
Coding change: c.1942C>T on transcript NM_001005273.3 (MANE Select); coding-DNA position 1942, C replaced by T.
Protein change: p.His648Tyr; replaces histidine 648 with tyrosine.
Molecular consequence: missense variant.
Genome position (GRCh38, 1-based): chr17:7,897,993, C>T. VCF-style: chr17-7897993-C-T. GRCh37 (hg19) VCF-style: chr17-7801311-C-T.
Other names: c.2119C>T, p.His707Tyr (NM_001005271.3, NM_001437504.1); c.2107C>T, p.His703Tyr (NM_001437507.1, NM_001437508.1, NM_001437509.1); c.1942C>T, p.His648Tyr (NM_005852.4); short protein forms H648Y, H703Y, H707Y.
Identifiers: ClinVar variation 4795522 (VCV004795522.2).